The following is an entry in ClinVar:

NM_023936.2(MRPS34):c.365-12_365-10del

Gene: MRPS34 (mitochondrial ribosomal protein S34; minus strand). Cytogenetic location: 16p13.3.
Variant type: Deletion.
Coding change: c.365-12_365-10del on transcript NM_023936.2 (MANE Select); 12 bases into the intron before coding-DNA position 365 through 10 bases into the intron before coding-DNA position 365, 3 bases deleted (TTT; older notation c.365-12_365-10delTTT).
Molecular consequence: intron variant. On other transcripts: inframe deletion (1).
Genome position (GRCh38, 1-based): chr16:1,772,523-1,772,525, AAA deleted on the plus strand (TTT on the coding strand, the reverse complement: MRPS34 is on the minus strand); deleting any 3 consecutive bases within chr16:1,772,523-1,772,527 gives the same sequence; the c. name uses the placement nearest the transcript's 3' end. VCF-style (leftmost placement, unchanged base first): chr16-1772522-GAAA-G. GRCh37 (hg19) VCF-style: chr16-1822523-GAAA-G.
Other names: c.374_376del, p.Phe125del (NM_001300900.2); short protein forms F125del.
Identifiers: ClinVar variation 5002665 (VCV005002665.1).

ClinVar aggregate classification (germline): Uncertain significance (1 of 4 stars; one submission).

Conditions:
Combined oxidative phosphorylation deficiency 32 (COXPD32). Identifiers: MedGen C4540029, MONDO:0054654, OMIM 617664.

Submission:

OLLIN Analises Genomicas, OLLIN
Classification: Uncertain significance for Combined oxidative phosphorylation deficiency 32. Last evaluated: 2026-08-06. Review status: criteria provided, single submitter. Criteria: ACMG Guidelines 2015 PMID 25741868. Collection method: clinical testing. Allele origin: germline. Inheritance: Autosomal recessive inheritance.
Comment: This variant, has been observed in gnomAD with an allele frequency of 0.000062%, but has not been reported in ClinVar or identified in the literature. According to the currently available evidence, this variant has been classified as uncertain significance (PM2_P, PP3).